The following is an entry in ClinVar:

ClinVar aggregate classification (germline): Uncertain significance (1 of 4 stars; one submission).

Conditions:
Inborn genetic diseases. Identifiers: MedGen C0950123, MeSH D030342.

Submission:

Ambry Genetics
Classification: Uncertain significance for Inborn genetic diseases. Last evaluated: 2018-07-16. Review status: criteria provided, single submitter. Criteria: Ambry Variant Classification Scheme 2023. Collection method: clinical testing. Allele origin: germline.
Comment: The p.P806T variant (also known as c.2416C>A), located in coding exon 22 of the ATP13A2 gene, results from a C to A substitution at nucleotide position 2416. The proline at codon 806 is replaced by threonine, an amino acid with highly similar properties. This amino acid position is well conserved in available vertebrate species. In addition, the in silico prediction for this alteration is inconclusive. Since supporting evidence is limited at this time, the clinical significance of this alteration remains unclear.

NM_022089.4(ATP13A2):c.2416C>A (p.Pro806Thr)

Gene: ATP13A2 (ATPase cation transporting 13A2; minus strand). Cytogenetic location: 1p36.13.
Variant type: single nucleotide variant.
Coding change: c.2416C>A on transcript NM_022089.4 (MANE Select); coding-DNA position 2416, C replaced by A.
Protein change: p.Pro806Thr; replaces proline 806 with threonine.
Molecular consequence: missense variant. On other transcripts: intron variant (1).
Genome position (GRCh38, 1-based): chr1:16,990,000, G>T on the plus strand (C>A on the coding strand, the complement: ATP13A2 is on the minus strand). VCF-style: chr1-16990000-G-T. GRCh37 (hg19) VCF-style: chr1-17316495-G-T.
Other names: c.2401C>A, p.Pro801Thr (NM_001141973.3); c.2397+127C>A (NM_001141974.3); short protein forms P806T, P801T.
Identifiers: ClinVar variation 1790939 (VCV001790939.2), dbSNP rs2523088639, ClinGen allele CA338240891.